The following is an entry in ClinVar:

ClinVar aggregate classification (germline): Uncertain significance (1 of 4 stars; one submission).

Conditions:
Inborn genetic diseases. Identifiers: MedGen C0950123, MeSH D030342.

gnomAD v4.1: 3 of 1,612,610 alleles (0.00019%); highest among the groups gnomAD compares: South Asian, 0.0033%; no homozygotes.

Submission:

Ambry Genetics
Classification: Uncertain significance for Inborn genetic diseases. Last evaluated: 2026-03-12. Review status: criteria provided, single submitter. Criteria: Ambry Variant Classification Scheme 2023. Collection method: clinical testing. Allele origin: germline.
Comment: The p.G323R variant (also known as c.967G>A), located in coding exon 8 of the PAX5 gene, results from a G to A substitution at nucleotide position 967. The glycine at codon 323 is replaced by arginine, an amino acid with dissimilar properties. This amino acid position is conserved. In addition, this alteration is predicted to be deleterious by in silico analysis. Based on the available evidence, the clinical significance of this variant remains unclear.

NM_016734.3(PAX5):c.967G>A (p.Gly323Arg)

Gene: PAX5 (paired box 5; minus strand). Cytogenetic location: 9p13.2.
Variant type: single nucleotide variant.
Coding change: c.967G>A on transcript NM_016734.3 (MANE Select); coding-DNA position 967, G replaced by A.
Protein change: p.Gly323Arg; replaces glycine 323 with arginine.
Molecular consequence: missense variant. On other transcripts: non-coding transcript variant (2), intron variant (6).
Genome position (GRCh38, 1-based): chr9:36,882,049, C>T on the plus strand (G>A on the coding strand, the complement: PAX5 is on the minus strand). VCF-style: chr9-36882049-C-T. GRCh37 (hg19) VCF-style: chr9-36882046-C-T.
Other names: c.967G>A, p.Gly323Arg (NM_001280548.2); c.838G>A, p.Gly280Arg (NM_001280553.2, NM_001280554.2); c.643G>A, p.Gly215Arg (NM_001280556.2); c.586+41306G>A (NM_001280551.2); c.713-35120G>A (NM_001280555.2); c.781-41413G>A (NM_001280550.2); c.781-35120G>A (NM_001280549.2); c.910+41306G>A (NM_001280552.2); and 1 more; short protein forms G215R, G323R, G280R.
Identifiers: ClinVar variation 4827574 (VCV004827574.1).